The following is an entry in ClinVar:

NM_006907.4(PYCR1):c.484G>T (p.Val162Leu)

Gene: PYCR1 (pyrroline-5-carboxylate reductase 1; minus strand). Cytogenetic location: 17q25.3.
Variant type: single nucleotide variant.
Coding change: c.484G>T on transcript NM_006907.4 (MANE Select); coding-DNA position 484, G replaced by T.
Protein change: p.Val162Leu; replaces valine 162 with leucine.
Molecular consequence: missense variant.
Genome position (GRCh38, 1-based): chr17:81,934,982, C>A on the plus strand (G>T on the coding strand, the complement: PYCR1 is on the minus strand). VCF-style: chr17-81934982-C-A. GRCh37 (hg19) VCF-style: chr17-79892858-C-A.
Other names: c.484G>T, p.Val162Leu (NM_001282279.2, NM_001282280.2, NM_001330523.2 and 1 more transcripts); c.565G>T, p.Val189Leu (NM_001282281.2); short protein forms V162L, V189L.
Identifiers: ClinVar variation 2446347 (VCV002446347.1), dbSNP rs969432846, ClinGen allele CA401538345.

ClinVar aggregate classification (germline): Uncertain significance (1 of 4 stars; one submission).

Allele frequency attached by ClinVar (database versions not stated): TOPMed below 0.00001; gnomAD 0.00001.

Submission:

GeneDx
Classification: Uncertain significance. Last evaluated: 2022-09-27. Review status: criteria provided, single submitter. Criteria: GeneDx Variant Classification Process June 2021. Collection method: clinical testing. Allele origin: germline. Affected: yes.
Comment: Not observed at significant frequency in large population cohorts (gnomAD); In silico analysis supports that this missense variant does not alter protein structure/function; Has not been previously published as pathogenic or benign to our knowledge